The following is an entry in ClinVar:

NM_007118.4(TRIO):c.8176T>G (p.Leu2726Val)

Genes: TRIO (trio Rho guanine nucleotide exchange factor; plus strand), LOC126807323 (CDK7 strongly-dependent group 2 enhancer GRCh37_chr5:14497716-14498915; plus strand). Cytogenetic location: 5p15.2.
Variant type: single nucleotide variant.
Coding change: c.8176T>G on transcript NM_007118.4 (MANE Select); coding-DNA position 8176, T replaced by G.
Protein change: p.Leu2726Val; replaces leucine 2726 with valine.
Molecular consequence: missense variant. On other transcripts: non-coding transcript variant (1).
Genome position (GRCh38, 1-based): chr5:14,498,217, T>G. VCF-style: chr5-14498217-T-G. GRCh37 (hg19) VCF-style: chr5-14498326-T-G.
Other names: short protein forms L2726V.
Identifiers: ClinVar variation 4685056 (VCV004685056.1).

ClinVar aggregate classification (germline): Uncertain significance (1 of 4 stars; one submission).

Submission:

GeneDx
Classification: Uncertain significance. Last evaluated: 2025-07-10. Review status: criteria provided, single submitter. Criteria: GeneDx Variant Classification Process June 2021. Collection method: clinical testing. Allele origin: germline. Affected: yes.
Comment: Not observed at significant frequency in large population cohorts (gnomAD); In silico analysis suggests that this missense variant does not alter protein structure/function; Has not been previously published as pathogenic or benign to our knowledge